The following is an entry in ClinVar:

ClinVar aggregate classification (germline): Pathogenic (1 of 4 stars; one submission).

Submission:

Labcorp Genetics (formerly Invitae), Labcorp
Classification: Pathogenic. Last evaluated: 2024-02-02. Review status: criteria provided, single submitter. Criteria: Invitae Variant Classification Sherloc (09022015). Collection method: clinical testing. Allele origin: germline.
Comment: This sequence change creates a premature translational stop signal (p.Ala677Profs*20) in the LRP5 gene. It is expected to result in an absent or disrupted protein product. Loss-of-function variants in LRP5 are known to be pathogenic (PMID: 11719191, 16252235, 25711638). This variant is not present in population databases (gnomAD no frequency). This variant has not been reported in the literature in individuals affected with LRP5-related conditions. For these reasons, this variant has been classified as Pathogenic.

Literature cited by the submitters: PubMed 11719191; PubMed 16252235; PubMed 25711638.

NM_002335.4(LRP5):c.2029del (p.Ala677fs)

Gene: LRP5 (LDL receptor related protein 5; plus strand). Cytogenetic location: 11q13.2.
Variant type: Deletion.
Coding change: c.2029del on transcript NM_002335.4 (MANE Select); coding-DNA position 2029, one base deleted (G; older notation c.2029delG).
Protein change: p.Ala677fs; shifts the reading frame from alanine 677.
Molecular consequence: frameshift variant.
Genome position (GRCh38, 1-based): chr11:68,406,751, G deleted; the last of 2 consecutive G bases (chr11:68,406,750-68,406,751); deleting either gives the same sequence. VCF-style (leftmost placement, unchanged base first): chr11-68406749-AG-A. GRCh37 (hg19) VCF-style: chr11-68174217-AG-A.
Other names: c.286del, p.Ala96fs (NM_001291902.2); short protein forms A96fs, A677fs.
Identifiers: ClinVar variation 3633331 (VCV003633331.2).